The following is an entry in ClinVar:

ClinVar aggregate classification (germline): Likely pathogenic (1 of 4 stars; one submission).

Conditions:
Rubinstein-Taybi syndrome due to EP300 haploinsufficiency. Also called: RUBINSTEIN-TAYBI SYNDROME 2; EP300-Related Rubinstein-Taybi Syndrome. Identifiers: Orphanet 353284, Orphanet 783, MedGen C3150941, MONDO:0013364, OMIM 613684.

Submission:

3billion
Classification: Likely pathogenic for Rubinstein-Taybi syndrome due to EP300 haploinsufficiency. Last evaluated: 2023-10-27. Review status: criteria provided, single submitter. Criteria: ACMG Guidelines, 2015. Collection method: clinical testing. Allele origin: germline. Affected: yes.
Comment: The variant is not observed in the gnomAD v2.1.1 dataset. Predicted Consequence/Location: Frameshift: predicted to result in a loss or disruption of normal protein function through protein truncation. The predicted truncated protein may be shortened by more than 10%. Therefore, this variant is classified as Likely pathogenic according to the recommendation of ACMG/AMP guideline.

NM_001429.4(EP300):c.6171_6175del (p.Leu2058fs)

Gene: EP300 (EP300 lysine acetyltransferase; plus strand). Cytogenetic location: 22q13.2.
Variant type: Deletion.
Coding change: c.6171_6175del on transcript NM_001429.4 (MANE Select); coding-DNA positions 6171 to 6175, 5 bases deleted (TCTCA; older notation c.6171_6175delTCTCA).
Protein change: p.Leu2058fs; shifts the reading frame from leucine 2058.
Molecular consequence: frameshift variant.
Genome position (GRCh38, 1-based): chr22:41,177,882-41,177,886, TCTCA deleted. VCF-style (leftmost placement, unchanged base first): chr22-41177881-CTCTCA-C. GRCh37 (hg19) VCF-style: chr22-41573885-CTCTCA-C.
Other names: c.6093_6097del, p.Leu2032fs (NM_001362843.2); short protein forms L2032fs, L2058fs.
Identifiers: ClinVar variation 3776233 (VCV003776233.1).